The following is an entry in ClinVar:

ClinVar aggregate classification (germline): Pathogenic (1 of 4 stars; one submission).

Conditions:
PURA-related severe neonatal hypotonia-seizures-encephalopathy syndrome (NEDRIHF). Also called: NEURODEVELOPMENTAL DISORDER WITH NEONATAL RESPIRATORY INSUFFICIENCY, HYPOTONIA, AND FEEDING DIFFICULTIES; PURA-Related Neurodevelopmental Disorders. Identifiers: Orphanet 438213, Orphanet 438216, MedGen C4015357, MONDO:1060108, OMIM 616158, MONDO:0018580.

Submission:

Labcorp Genetics (formerly Invitae), Labcorp
Classification: Pathogenic for PURA-related severe neonatal hypotonia-seizures-encephalopathy syndrome. Last evaluated: 2022-12-06. Review status: criteria provided, single submitter. Criteria: Invitae Variant Classification Sherloc (09022015). Collection method: clinical testing. Allele origin: germline.
Comment: This variant has not been reported in the literature in individuals affected with PURA-related conditions. ClinVar contains an entry for this variant (Variation ID: 575389). This variant disrupts a region of the PURA protein in which other variant(s) (p.Glu283Argfs*45) have been determined to be pathogenic (PMID: 25342064). This suggests that this is a clinically significant region of the protein, and that variants that disrupt it are likely to be disease-causing. For these reasons, this variant has been classified as Pathogenic. This sequence change creates a premature translational stop signal (p.Phe167Profs*35) in the PURA gene. While this is not anticipated to result in nonsense mediated decay, it is expected to disrupt the last 156 amino acid(s) of the PURA protein. This variant is not present in population databases (gnomAD no frequency).

Literature cited by the submitters: PubMed 25342064.

NM_005859.5(PURA):c.494_497dup (p.Phe167fs)

Gene: PURA (purine rich element binding protein A; plus strand). Cytogenetic location: 5q31.3.
Variant type: Duplication.
Coding change: c.494_497dup on transcript NM_005859.5 (MANE Select); coding-DNA positions 494 to 497, 4 bases duplicated (GCCG; older notation c.494_497dupGCCG).
Protein change: p.Phe167fs; shifts the reading frame from phenylalanine 167.
Molecular consequence: frameshift variant.
Genome position (GRCh38, 1-based): chr5:140,114,675-140,114,678, GCCG duplicated; duplicating any 4 consecutive bases within chr5:140,114,673-140,114,678 gives the same sequence; the c. name uses the placement nearest the transcript's 3' end. VCF-style (leftmost placement, unchanged base first): chr5-140114672-G-GCGGC. GRCh37 (hg19) VCF-style: chr5-139494257-G-GCGGC.
Other names: c.494_497dupGCCG (NM_005859.4); short protein forms F167fs.
Identifiers: ClinVar variation 575389 (VCV000575389.9), dbSNP rs1561793268, ClinGen allele CA891843400.